The following is an entry in ClinVar:

ClinVar aggregate classification (germline): Uncertain significance (1 of 4 stars; one submission).

Submission:

GeneDx
Classification: Uncertain significance. Last evaluated: 2024-11-22. Review status: criteria provided, single submitter. Criteria: GeneDx Variant Classification Process June 2021. Collection method: clinical testing. Allele origin: germline. Affected: yes.
Comment: Not observed at significant frequency in large population cohorts (gnomAD); In silico analysis supports that this missense variant has a deleterious effect on protein structure/function; Has not been previously published as pathogenic or benign to our knowledge

NM_000540.3(RYR1):c.7792G>C (p.Ala2598Pro)

Gene: RYR1 (ryanodine receptor 1; plus strand). Cytogenetic location: 19q13.2.
Variant type: single nucleotide variant.
Coding change: c.7792G>C on transcript NM_000540.3 (MANE Select); coding-DNA position 7792, G replaced by C.
Protein change: p.Ala2598Pro; replaces alanine 2598 with proline.
Molecular consequence: missense variant.
Genome position (GRCh38, 1-based): chr19:38,502,684, G>C. VCF-style: chr19-38502684-G-C. GRCh37 (hg19) VCF-style: chr19-38993324-G-C.
Other names: c.7792G>C, p.Ala2598Pro (NM_001042723.2); short protein forms A2598P.
Identifiers: ClinVar variation 3900529 (VCV003900529.1).